The following is an entry in ClinVar:

NM_001110556.2(FLNA):c.3865G>T (p.Gly1289Ter)

Gene: FLNA (filamin A; minus strand). Cytogenetic location: Xq28.
Variant type: single nucleotide variant.
Coding change: c.3865G>T on transcript NM_001110556.2 (MANE Select); coding-DNA position 3865, G replaced by T.
Protein change: p.Gly1289Ter; replaces glycine 1289 with a stop codon.
Molecular consequence: nonsense.
Genome position (GRCh38, 1-based): chrX:154,359,846, C>A on the plus strand (G>T on the coding strand, the complement: FLNA is on the minus strand). VCF-style: chrX-154359846-C-A. GRCh37 (hg19) VCF-style: chrX-153588214-C-A.
Other names: c.3865G>T, p.Gly1289Ter (NM_001456.4); short protein forms G1289*.
Identifiers: ClinVar variation 574177 (VCV000574177.8), dbSNP rs1557177623, ClinGen allele CA415222192.

ClinVar aggregate classification (germline): Pathogenic (1 of 4 stars; one submission).

Conditions:
Heterotopia, periventricular, X-linked dominant (PVNH1). Also called: PERIVENTRICULAR NODULAR HETEROTOPIA 4; HETEROTOPIA, PERIVENTRICULAR, 1; PERIVENTRICULAR NODULAR HETEROTOPIA 1; X-linked periventricular heterotopia. Identifiers: Orphanet 2149, Orphanet 82004, MedGen C1848213, MONDO:0010233, OMIM 300049.
Melnick-Needles syndrome (MNS). Also called: Melnick-Needles Syndrome (FLNA-MNS); MELNICK-NEEDLES OSTEODYSPLASTY; OSTEODYSPLASTY OF MELNICK AND NEEDLES. Identifiers: Orphanet 2484, MedGen C0025237, MONDO:0010650, OMIM 309350.
Frontometaphyseal dysplasia (FMD1). Identifiers: Orphanet 1826, MedGen C0265293, MONDO:0015942.
Oto-palato-digital syndrome, type II (OPD2). Also called: Otopalatodigital Syndrome Type 2 (FLNA-OPD2); Otopalatodigital Syndrome, Type II; FACIOPALATOOSSEOUS SYNDROME; OPD II SYNDROME. Identifiers: Orphanet 669, Orphanet 90652, MedGen C1844696, MONDO:0010571, OMIM 304120.

Submission:

Labcorp Genetics (formerly Invitae), Labcorp
Classification: Pathogenic for Oto-palato-digital syndrome, type II; Heterotopia, periventricular, X-linked dominant; Frontometaphyseal dysplasia; Melnick-Needles syndrome. Last evaluated: 2018-02-23. Review status: criteria provided, single submitter. Criteria: Invitae Variant Classification Sherloc (09022015). Collection method: clinical testing. Allele origin: germline.
Comment: For these reasons, this variant has been classified as Pathogenic. Loss-of-function variants in FLNA are known to be pathogenic (PMID: 16684786, 20730588, 26471271). This variant has not been reported in the literature in individuals with FLNA-related disease. This variant is not present in population databases (ExAC no frequency). This sequence change creates a premature translational stop signal (p.Gly1289*) in the FLNA gene. It is expected to result in an absent or disrupted protein product.

Literature cited by the submitters: PubMed 16684786; PubMed 20730588; PubMed 26471271.